The following is an entry in ClinVar:

NM_017890.5(VPS13B):c.4218C>A (p.Asp1406Glu)

Gene: VPS13B (vacuolar protein sorting 13 homolog B; plus strand). Cytogenetic location: 8q22.2.
Variant type: single nucleotide variant.
Coding change: c.4218C>A on transcript NM_017890.5 (MANE Plus Clinical); coding-DNA position 4218, C replaced by A.
Protein change: p.Asp1406Glu; replaces aspartic acid 1406 with glutamic acid.
Molecular consequence: missense variant. On other transcripts: intron variant (1).
Genome position (GRCh38, 1-based): chr8:99,507,830, C>A. VCF-style: chr8-99507830-C-A. GRCh37 (hg19) VCF-style: chr8-100520058-C-A.
Other names: c.4224+627C>A (NM_152564.5); short protein forms D1406E.
Identifiers: ClinVar variation 3360182 (VCV003360182.1).
Genomic context (GRCh38, chr8:99,507,830, plus strand): 5'-CCTTGGGGAAGAGTGTTGGTCTTTGGGGCAATGTGGAGGTGTCTTCCTTTCCTGTACTGA[C>A]AAGCTGAACAGACGCACCTTGTTGGTTCGACCCATCAGCAAGCAGGACCCTTTCAGTAAT-3'
Protein context (NP_060360.3, residues 1396-1416): QCGGVFLSCT[Asp1406Glu]KLNRRTLLVR

ClinVar aggregate classification (germline): Uncertain significance (1 of 4 stars; one submission).

Submission:

GeneDx
Classification: Uncertain significance. Last evaluated: 2023-06-26. Review status: criteria provided, single submitter. Criteria: GeneDx Variant Classification Process June 2021. Collection method: clinical testing. Allele origin: germline. Affected: yes.
Comment: Not observed at significant frequency in large population cohorts (gnomAD); In silico analysis supports that this missense variant does not alter protein structure/function; Has not been previously published as pathogenic or benign to our knowledge